The following is an entry in ClinVar:

ClinVar aggregate classification (germline): Uncertain significance (1 of 4 stars; one submission).

Allele frequency attached by ClinVar (database versions not stated): gnomAD exomes below 0.00001; gnomAD 0.00001; TOPMed 0.00001.
gnomAD v4.1: 7 of 1,613,982 alleles (0.00043%); highest among the groups gnomAD compares: Admixed American, 0.0017%; no homozygotes.

Submission:

Labcorp Genetics (formerly Invitae), Labcorp
Classification: Uncertain significance. Last evaluated: 2026-01-05. Review status: criteria provided, single submitter. Criteria: Invitae Variant Classification Sherloc (09022015). Collection method: clinical testing. Allele origin: germline.
Comment: This sequence change replaces arginine, which is basic and polar, with tryptophan, which is neutral and slightly polar, at codon 903 of the KCNH1 protein (p.Arg903Trp). This variant is present in population databases (no rsID available, gnomAD 0.0009%). This variant has not been reported in the literature in individuals affected with KCNH1-related conditions. ClinVar contains an entry for this variant (Variation ID: 1952747). Invitae Evidence Modeling of protein sequence and biophysical properties (such as structural, functional, and spatial information, amino acid conservation, physicochemical variation, residue mobility, and thermodynamic stability) has been performed for this missense variant. However, the output from this modeling did not meet the statistical confidence thresholds required to predict the impact of this variant on KCNH1 protein function. In summary, the available evidence is currently insufficient to determine the role of this variant in disease. Therefore, it has been classified as a Variant of Uncertain Significance.

NM_172362.3(KCNH1):c.2707C>T (p.Arg903Trp)

Gene: KCNH1 (potassium voltage-gated channel subfamily H member 1; minus strand). Cytogenetic location: 1q32.2.
Variant type: single nucleotide variant.
Coding change: c.2707C>T on transcript NM_172362.3 (MANE Select); coding-DNA position 2707, C replaced by T.
Protein change: p.Arg903Trp; replaces arginine 903 with tryptophan.
Molecular consequence: missense variant.
Genome position (GRCh38, 1-based): chr1:210,683,544, G>A on the plus strand (C>T on the coding strand, the complement: KCNH1 is on the minus strand). VCF-style: chr1-210683544-G-A. GRCh37 (hg19) VCF-style: chr1-210856886-G-A.
Other names: c.2626C>T, p.Arg876Trp (NM_002238.4); short protein forms R876W, R903W.
Identifiers: ClinVar variation 1952747 (VCV001952747.5), dbSNP rs1167387824, ClinGen allele CA344870599.